The following is an entry in ClinVar:

ClinVar aggregate classification (germline): Uncertain significance. Review status: criteria provided, multiple submitters, no conflicts (2 of 4 stars). 3 submissions from 3 submitters: Uncertain significance (3). Last evaluated 2026-01-27.

Conditions:
Neuropathy, hereditary sensory and autonomic, type 2A (HSAN2A). Also called: MORVAN DISEASE; NEUROPATHY, CONGENITAL SENSORY; NEUROPATHY, HEREDITARY SENSORY RADICULAR, AUTOSOMAL RECESSIVE; NEUROPATHY, HEREDITARY SENSORY, TYPE IIA; NEUROPATHY, PROGRESSIVE SENSORY, OF CHILDREN; WNK1-Related HSAN2 (HSAN2A). Identifiers: Orphanet 970, MedGen C2752089, MONDO:0024309, OMIM 201300.
Pseudohypoaldosteronism type 2C (PHA2C). Also called: Pseudohypoaldosteronism Type IIC. Identifiers: Orphanet 757, Orphanet 88940, MedGen C1840391, MONDO:0013778, OMIM 614492.
Inborn genetic diseases. Identifiers: MedGen C0950123, MeSH D030342.

Allele frequency attached by ClinVar (database versions not stated): gnomAD 0.00001; gnomAD exomes 0.00001 and below 0.00001; TOPMed 0.00002.
gnomAD v4.1: 17 of 1,535,936 alleles (0.0011%); highest among the groups gnomAD compares: East Asian, 0.0073%; no homozygotes.

Submissions (3):

Labcorp Genetics (formerly Invitae), Labcorp
Classification: Uncertain significance for Neuropathy, hereditary sensory and autonomic, type 2A; Pseudohypoaldosteronism type 2C. Last evaluated: 2026-01-27. Review status: criteria provided, single submitter. Criteria: Invitae Variant Classification Sherloc (09022015). Collection method: clinical testing. Allele origin: germline.
Comment: This sequence change replaces cysteine, which is neutral and slightly polar, with arginine, which is basic and polar, at codon 749 of the WNK1 protein (p.Cys749Arg). This variant is present in population databases (rs370768693, gnomAD no frequency). This variant has not been reported in the literature in individuals affected with WNK1-related conditions. ClinVar contains an entry for this variant (Variation ID: 1039814). Invitae Evidence Modeling of protein sequence and biophysical properties (such as structural, functional, and spatial information, amino acid conservation, physicochemical variation, residue mobility, and thermodynamic stability) indicates that this missense variant is not expected to disrupt WNK1 protein function with a negative predictive value of 95%. In summary, the available evidence is currently insufficient to determine the role of this variant in disease. Therefore, it has been classified as a Variant of Uncertain Significance.

Fulgent Genetics
Classification: Uncertain significance for Neuropathy, hereditary sensory and autonomic, type 2A; Pseudohypoaldosteronism type 2C. Last evaluated: 2024-01-05. Review status: criteria provided, single submitter. Criteria: ACMG Guidelines, 2015. Collection method: clinical testing. Allele origin: germline.

Ambry Genetics
Classification: Uncertain significance for Inborn genetic diseases. Last evaluated: 2020-06-23. Review status: criteria provided, single submitter. Criteria: Ambry Variant Classification Scheme 2023. Collection method: clinical testing. Allele origin: germline.
Comment: The p.C749R variant (also known as c.2245T>C), located in coding exon 9 of the WNK1 gene, results from a T to C substitution at nucleotide position 2245. The cysteine at codon 749 is replaced by arginine, an amino acid with highly dissimilar properties. This amino acid position is well conserved in available vertebrate species. In addition, this alteration is predicted to be tolerated by in silico analysis. Since supporting evidence is limited at this time, the clinical significance of this alteration remains unclear.

NM_213655.5(WNK1):c.2245T>C (p.Cys749Arg)

Gene: WNK1 (WNK lysine deficient protein kinase 1; plus strand). Cytogenetic location: 12p13.33.
Variant type: single nucleotide variant.
Coding change: c.2245T>C on transcript NM_213655.5 (MANE Plus Clinical); coding-DNA position 2245, T replaced by C.
Protein change: p.Cys749Arg; replaces cysteine 749 with arginine.
Molecular consequence: missense variant. On other transcripts: intron variant (3).
Genome position (GRCh38, 1-based): chr12:865,215, T>C. VCF-style: chr12-865215-T-C. GRCh37 (hg19) VCF-style: chr12-974381-T-C.
Other names: c.2140-2651T>C (NM_001184985.2); c.2139+2945T>C (NM_018979.4, NM_014823.3); short protein forms C749R.
Identifiers: ClinVar variation 1039814 (VCV001039814.12), dbSNP rs370768693, ClinGen allele CA231495661.